The following is an entry in ClinVar:

NM_001184.4(ATR):c.60-51A>T

Gene: ATR (ATR checkpoint kinase; minus strand). Cytogenetic location: 3q23.
Variant type: single nucleotide variant.
Coding change: c.60-51A>T on transcript NM_001184.4 (MANE Select); 51 bases into the intron before coding-DNA position 60, A replaced by T.
Molecular consequence: intron variant.
Genome position (GRCh38, 1-based): chr3:142,568,205, T>A on the plus strand (A>T on the coding strand, the complement: ATR is on the minus strand). VCF-style: chr3-142568205-T-A. GRCh37 (hg19) VCF-style: chr3-142287047-T-A.
Other names: c.60-51A>T (NM_001354579.2).
Identifiers: ClinVar variation 674220 (VCV000674220.2), dbSNP rs62276447, ClinGen allele CA2650854.

ClinVar aggregate classification (germline): Benign. Review status: criteria provided, multiple submitters, no conflicts (2 of 4 stars). 2 submissions from 2 submitters: Benign (2). Last evaluated 2018-06-16.

Allele frequency attached by ClinVar (database versions not stated): 1000 Genomes Project 0.04133; 1000 Genomes Project 30x 0.04154; gnomAD 0.06847 and 0.07197; ExAC 0.07043; gnomAD exomes 0.07155; TOPMed 0.07392; ESP Exome Variant Server 0.07837.
gnomAD v4.1: 131,915 of 1,477,514 alleles (8.9%); highest among the groups gnomAD compares: Middle Eastern, 13%; 6,902 homozygotes.

Submissions (2):

GeneDx
Classification: Benign. Last evaluated: 2018-06-16. Review status: criteria provided, single submitter. Criteria: GeneDx Variant Classification (06012015). Collection method: clinical testing. Allele origin: germline. Affected: yes.
Comment: This variant is considered likely benign or benign based on one or more of the following criteria: it is a conservative change, it occurs at a poorly conserved position in the protein, it is predicted to be benign by multiple in silico algorithms, and/or has population frequency not consistent with disease.

Breakthrough Genomics
Classification: Benign. Review status: criteria provided, single submitter. Criteria: ACMG Guidelines, 2015. Collection method: not provided. Allele origin: germline. Inheritance: Autosomal recessive inheritance. Affected: yes.